The following is an entry in ClinVar:

NM_001283009.2(RTEL1):c.1507C>G (p.Pro503Ala)

Genes: RTEL1 (regulator of telomere elongation helicase 1; plus strand), RTEL1-TNFRSF6B (RTEL1-TNFRSF6B readthrough (NMD candidate); plus strand). Cytogenetic location: 20q13.33.
Variant type: single nucleotide variant.
Coding change: c.1507C>G on transcript NM_001283009.2 (MANE Select); coding-DNA position 1507, C replaced by G.
Protein change: p.Pro503Ala; replaces proline 503 with alanine.
Molecular consequence: missense variant. On other transcripts: non-coding transcript variant (1).
Genome position (GRCh38, 1-based): chr20:63,687,962, C>G. VCF-style: chr20-63687962-C-G. GRCh37 (hg19) VCF-style: chr20-62319315-C-G.
Other names: c.838C>G, p.Pro280Ala (NM_001283010.1); c.1507C>G, p.Pro503Ala (NM_016434.4); c.1579C>G, p.Pro527Ala (NM_032957.5); short protein forms P280A, P527A, P503A.
Identifiers: ClinVar variation 2939748 (VCV002939748.3), dbSNP rs1343120488, ClinGen allele CA409676605.

ClinVar aggregate classification (germline): Uncertain significance (1 of 4 stars; one submission).

Conditions:
Pulmonary fibrosis and/or bone marrow failure, Telomere-related, 3. Also called: PULMONARY FIBROSIS AND/OR BONE MARROW FAILURE SYNDROME, TELOMERE-RELATED, 3. Identifiers: Orphanet 2032, MedGen C4225346, MONDO:0014613, OMIM 616373.
Dyskeratosis congenita, autosomal recessive 5 (DKCB5). Identifiers: MedGen C3554656, MONDO:0014076, OMIM 615190.

gnomAD v4.1: 1 of 1,612,700 alleles (0.000062%); highest among the groups gnomAD compares: Non-Finnish European, 0.000085%; no homozygotes.

Submission:

Labcorp Genetics (formerly Invitae), Labcorp
Classification: Uncertain significance for Dyskeratosis congenita, autosomal recessive 5; Pulmonary fibrosis and/or bone marrow failure, Telomere-related, 3. Last evaluated: 2023-07-31. Review status: criteria provided, single submitter. Criteria: Invitae Variant Classification Sherloc (09022015). Collection method: clinical testing. Allele origin: germline.
Comment: In summary, the available evidence is currently insufficient to determine the role of this variant in disease. Therefore, it has been classified as a Variant of Uncertain Significance. An algorithm developed to predict the effect of missense changes on protein structure and function (PolyPhen-2) suggests that this variant is likely to be disruptive. This variant has not been reported in the literature in individuals affected with RTEL1-related conditions. This variant is not present in population databases (gnomAD no frequency). This sequence change replaces proline, which is neutral and non-polar, with alanine, which is neutral and non-polar, at codon 503 of the RTEL1 protein (p.Pro503Ala).